The following is an entry in ClinVar:

NM_000038.6(APC):c.615dup (p.Thr206fs)

Gene: APC (APC regulator of Wnt signaling pathway; plus strand). Cytogenetic location: 5q22.2.
Variant type: Duplication.
Coding change: c.615dup on transcript NM_000038.6 (MANE Select); coding-DNA position 615, one base duplicated (T; older notation c.615dupT).
Protein change: p.Thr206fs; shifts the reading frame from threonine 206.
Molecular consequence: frameshift variant. On other transcripts: 5 prime UTR variant (4), non-coding transcript variant (2).
Genome position (GRCh38, 1-based): chr5:112,780,873, T duplicated. VCF-style (leftmost placement, unchanged base first): chr5-112780872-G-GT. GRCh37 (hg19) VCF-style: chr5-112116569-G-GT.
Other names: c.615dup, p.Thr206fs (NM_001127510.3, NM_001354895.2, NM_001354896.2 and 16 more transcripts); c.645dup, p.Thr216fs (NM_001127511.3, NM_001354897.2, NM_001354902.2 and 1 more transcripts); c.540dup, p.Thr181fs (NM_001354898.2, NM_001354904.2, NM_001407451.1); c.438dup, p.Thr147fs (NM_001354900.2, NM_001354901.2, NM_001354905.2 and 1 more transcripts); c.-421dup (NM_001354906.2, NM_001407470.1, NM_001407471.1 and 1 more transcripts); short protein forms T147fs, T181fs, T206fs, T216fs.
Identifiers: ClinVar variation 3904697 (VCV003904697.1).
Genomic context (GRCh38, chr5:112,780,872, plus strand): 5'-CCAGAAGGCAATTGGAATATGAAGCAAGGCAAATCAGAGTTGCGATGGAAGAACAACTAG[G>GT]TACCTGCCAGGATATGGAAAAACGAGCACAGGTAAGTTACTTGTTTCTAAGTGATAAAAC-3'

ClinVar aggregate classification (germline): Pathogenic (1 of 4 stars; one submission).

Conditions:
Familial adenomatous polyposis 1 (FAP1). Also called: FAMILIAL ADENOMATOUS POLYPOSIS 1, ATTENUATED; POLYPOSIS, ADENOMATOUS INTESTINAL. Identifiers: MedGen C2713442, MONDO:0021056, OMIM 175100. Disease mechanism: loss of function.

Submission:

Myriad Genetics, Inc.
Classification: Pathogenic for Familial adenomatous polyposis 1. Last evaluated: 2025-01-07. Review status: criteria provided, single submitter. Criteria: Myriad Autosomal Dominant, Autosomal Recessive and X-Linked Classification Criteria (2023). Collection method: clinical testing. Allele origin: unknown.
Comment: This variant is considered pathogenic. This variant creates a frameshift predicted to result in premature protein truncation.